The following is an entry in ClinVar:

NM_000059.4(BRCA2):c.1274A>G (p.Glu425Gly)

Gene: BRCA2 (BRCA2 DNA repair associated; plus strand). Cytogenetic location: 13q13.1.
Variant type: single nucleotide variant.
Coding change: c.1274A>G on transcript NM_000059.4 (MANE Select); coding-DNA position 1274, A replaced by G.
Protein change: p.Glu425Gly; replaces glutamic acid 425 with glycine.
Molecular consequence: missense variant.
Genome position (GRCh38, 1-based): chr13:32,332,752, A>G. VCF-style: chr13-32332752-A-G. GRCh37 (hg19) VCF-style: chr13-32906889-A-G.
Other names: short protein forms E425G.
Identifiers: ClinVar variation 230864 (VCV000230864.21), dbSNP rs768169574, ClinGen allele CA6940501.

ClinVar aggregate classification (germline): Conflicting classifications of pathogenicity. Review status: criteria provided, conflicting classifications (1 of 4 stars). 7 submissions from 6 submitters: Uncertain significance (6); Likely benign (1). Last evaluated 2023-09-05.

Conditions:
Fanconi anemia complementation group D1. Also called: BRCA2-Related Fanconi Anemia. Identifiers: Orphanet 319462, MedGen C1838457, MONDO:0011584, OMIM 605724.
Breast-ovarian cancer, familial, susceptibility to, 2 (BROVCA2). Also called: BRCA2 Hereditary Breast and Ovarian Cancer. Identifiers: Orphanet 145, MedGen C2675520, MONDO:0012933, OMIM 612555. Disease mechanism: loss of function.
Hereditary cancer-predisposing syndrome. Also called: Hereditary Cancer Syndrome; Neoplastic Syndromes, Hereditary; Tumor predisposition; Hereditary neoplastic syndrome. Identifiers: Orphanet 140162, MedGen C0027672, MeSH D009386, MONDO:0015356.
Hereditary breast ovarian cancer syndrome. Also called: Hereditary breast and/or ovarian cancer syndrome; BRCA1- and BRCA2-Associated Hereditary Breast and Ovarian Cancer; Hereditary breast and ovarian cancer syndrome (HBOC); Hereditary breast and ovarian cancer; Hereditary breast and ovarian cancer syndrome; Breast and ovarian cancer. Identifiers: Orphanet 145, MedGen C0677776, MeSH D061325, MONDO:0003582. Disease mechanism: loss of function.

Allele frequency attached by ClinVar (database versions not stated): gnomAD exomes below 0.00001; TOPMed below 0.00001; ExAC 0.00001.
gnomAD v4.1: 3 of 1,608,512 alleles (0.00019%); highest among the groups gnomAD compares: South Asian, 0.0022%; no homozygotes.

Submissions (7):

All of Us Research Program, National Institutes of Health
Classification: Uncertain significance for Breast-ovarian cancer, familial, susceptibility to, 2. Last evaluated: 2023-09-05. Review status: criteria provided, single submitter. Criteria: ACMG Guidelines, 2015. Collection method: clinical testing. Allele origin: germline. Inheritance: Autosomal dominant inheritance. Observed: 1 variant allele, 1 heterozygote.
Comment: This missense variant replaces glutamic acid with glycine at codon 425 of the BRCA2 protein. Computational prediction suggests that this variant may not impact protein structure and function (internally defined REVEL score threshold <= 0.5, PMID: 27666373). To our knowledge, functional studies have not been reported for this variant. This variant has not been reported in individuals affected with hereditary cancer in the literature. This variant has been identified in 1/243654 chromosomes in the general population by the Genome Aggregation Database (gnomAD). The available evidence is insufficient to determine the role of this variant in disease conclusively. Therefore, this variant is classified as a Variant of Uncertain Significance.

This study involves interpretation of variants in research participants for the purpose of population health screening. Participant phenotype was not available at the time of variant classification. Additional details can be found in publication PMID: 35346344, PMCID: PMC8962531

University of Washington Department of Laboratory Medicine, University of Washington
Classification: Likely benign for Hereditary cancer-predisposing syndrome. Last evaluated: 2023-03-23. Review status: criteria provided, single submitter. Criteria: Dines et al. (Genet Med. 2020). Collection method: curation. Allele origin: germline.
Comment: Missense variant in a coldspot region where missense variants are very unlikely to be pathogenic (PMID:31911673).

BRCA2 exon 10 coldspot. Reclassification based on statistical prior probability.

Color Diagnostics, LLC DBA Color Health
Classification: Uncertain significance for Hereditary cancer-predisposing syndrome. Last evaluated: 2021-02-17. Review status: criteria provided, single submitter. Criteria: ACMG Guidelines, 2015. Collection method: clinical testing. Allele origin: germline.
Comment: This missense variant replaces glutamic acid with glycine at codon 425 of the BRCA2 protein. Computational prediction suggests that this variant may not impact protein structure and function (internally defined REVEL score threshold <= 0.5, PMID: 27666373). To our knowledge, functional studies have not been reported for this variant. This variant has not been reported in individuals affected with hereditary cancer in the literature. This variant has been identified in 1/243654 chromosomes in the general population by the Genome Aggregation Database (gnomAD). The available evidence is insufficient to determine the role of this variant in disease conclusively. Therefore, this variant is classified as a Variant of Uncertain Significance.

Labcorp Genetics (formerly Invitae), Labcorp
Classification: Uncertain significance for Hereditary breast ovarian cancer syndrome. Last evaluated: 2021-01-26. Review status: criteria provided, single submitter. Criteria: Invitae Variant Classification Sherloc (09022015). Collection method: clinical testing. Allele origin: germline.
Comment: Algorithms developed to predict the effect of missense changes on protein structure and function output the following: SIFT: "Tolerated"; PolyPhen-2: "Benign"; Align-GVGD: "Class C0". The glycine amino acid residue is found in multiple mammalian species, suggesting that this missense change does not adversely affect protein function. These predictions have not been confirmed by published functional studies and their clinical significance is uncertain. In summary, the available evidence is currently insufficient to determine the role of this variant in disease. Therefore, it has been classified as a Variant of Uncertain Significance. This variant has not been reported in the literature in individuals with BRCA2-related disease. ClinVar contains an entry for this variant (Variation ID: 230864). This variant is present in population databases (rs768169574, ExAC 0.006%). This sequence change replaces glutamic acid with glycine at codon 425 of the BRCA2 protein (p.Glu425Gly). The glutamic acid residue is moderately conserved and there is a moderate physicochemical difference between glutamic acid and glycine.

Illumina Laboratory Services, Illumina
Classification: Uncertain significance for Breast-ovarian cancer, familial, susceptibility to, 2. Last evaluated: 2017-04-27. Review status: criteria provided, single submitter. Criteria: ICSL Variant Classification Criteria 13 December 2019. Collection method: clinical testing. Allele origin: germline.

Illumina Laboratory Services, Illumina
Classification: Uncertain significance for Fanconi anemia complementation group D1. Last evaluated: 2017-04-27. Review status: criteria provided, single submitter. Criteria: ICSL Variant Classification Criteria 13 December 2019. Collection method: clinical testing. Allele origin: germline.

Ambry Genetics
Classification: Uncertain significance for Hereditary cancer-predisposing syndrome. Last evaluated: 2015-03-04. Review status: criteria provided, single submitter. Criteria: Ambry Variant Classification Scheme 2023. Collection method: clinical testing. Allele origin: germline.
Comment: The p.E425G variant (also known as c.1274A>G and 1502A>G), located in coding exon 9 of the BRCA2 gene, results from an A to G substitution at nucleotide position 1274. The glutamic acid at codon 425 is replaced by glycine, an amino acid with similar properties. This variant was not reported in population based cohorts in the following databases: Database of Single Nucleotide Polymorphisms (dbSNP), NHLBI Exome Sequencing Project (ESP), and 1000 Genomes Project. In the ESP, this variant was not observed in 6498 samples (12996 alleles) with coverage at this position. To date, this alteration has been detected with an allele frequency of approximately 0.001% (greater than 105000 alleles tested) in our clinical cohort. This amino acid position is well conserved through mammals. In addition, this alteration is predicted to be tolerated by in silico analysis. Since supporting evidence is limited at this time, the clinical significance of p.E425G remains unclear.